The following is an entry in ClinVar:

NM_003954.5(MAP3K14):c.1290+5G>A

Gene: MAP3K14 (mitogen-activated protein kinase kinase kinase 14; minus strand). Cytogenetic location: 17q21.31.
Variant type: single nucleotide variant.
Coding change: c.1290+5G>A on transcript NM_003954.5 (MANE Select); 5 bases into the intron after coding-DNA position 1290, G replaced by A.
Molecular consequence: intron variant.
Genome position (GRCh38, 1-based): chr17:45,284,807, C>T on the plus strand (G>A on the coding strand, the complement: MAP3K14 is on the minus strand). VCF-style: chr17-45284807-C-T. GRCh37 (hg19) VCF-style: chr17-43362174-C-T.
Other names: c.1290+5G>A (LRG_1222t1).
Identifiers: ClinVar variation 544319 (VCV000544319.5), dbSNP rs781259100, ClinGen allele CA8614183.

ClinVar aggregate classification (germline): Uncertain significance (1 of 4 stars; one submission).

Conditions:
NIK deficiency. Also called: Primary immunodeficiency with multifaceted aberrant lymphoid immunity. Identifiers: Orphanet 447731, MedGen C5680065, MONDO:0018642.

Allele frequency attached by ClinVar (database versions not stated): TOPMed 0.00001; gnomAD 0.00003.

Submission:

Labcorp Genetics (formerly Invitae), Labcorp
Classification: Uncertain significance for NIK deficiency. Last evaluated: 2022-11-01. Review status: criteria provided, single submitter. Criteria: Invitae Variant Classification Sherloc (09022015). Collection method: clinical testing. Allele origin: germline.
Comment: In summary, the available evidence is currently insufficient to determine the role of this variant in disease. Therefore, it has been classified as a Variant of Uncertain Significance. Variants that disrupt the consensus splice site are a relatively common cause of aberrant splicing (PMID: 17576681, 9536098). Algorithms developed to predict the effect of sequence changes on RNA splicing suggest that this variant is not likely to affect RNA splicing. ClinVar contains an entry for this variant (Variation ID: 544319). This variant has not been reported in the literature in individuals affected with MAP3K14-related conditions. The frequency data for this variant in the population databases is considered unreliable, as metrics indicate poor data quality at this position in the gnomAD database. This sequence change falls in intron 6 of the MAP3K14 gene. It does not directly change the encoded amino acid sequence of the MAP3K14 protein. It affects a nucleotide within the consensus splice site.

Literature cited by the submitters: PubMed 17576681; PubMed 9536098.